The following is an entry in ClinVar:

NM_004519.4(KCNQ3):c.608T>C (p.Ile203Thr)

Gene: KCNQ3 (potassium voltage-gated channel subfamily Q member 3; minus strand). Cytogenetic location: 8q24.22.
Variant type: single nucleotide variant.
Coding change: c.608T>C on transcript NM_004519.4 (MANE Select); coding-DNA position 608, T replaced by C.
Protein change: p.Ile203Thr; replaces isoleucine 203 with threonine.
Molecular consequence: missense variant.
Genome position (GRCh38, 1-based): chr8:132,180,326, A>G on the plus strand (T>C on the coding strand, the complement: KCNQ3 is on the minus strand). VCF-style: chr8-132180326-A-G. GRCh37 (hg19) VCF-style: chr8-133192573-A-G.
Other names: c.248T>C, p.Ile83Thr (NM_001204824.2); short protein forms I203T, I83T.
Identifiers: ClinVar variation 538552 (VCV000538552.8), dbSNP rs1554628237, ClinGen allele CA372291004.

ClinVar aggregate classification (germline): Uncertain significance (1 of 4 stars; one submission).

Conditions:
Benign neonatal seizures. Also called: Benign neonatal familial convulsions; Benign familial neonatal seizures; Convulsions benign familial neonatal dominant form; Autosomal dominant form of benign neonatal seizures; Benign familial neonatal epilepsy. Identifiers: Orphanet 1949, MedGen C0220669, MONDO:0016027.

Submission:

Labcorp Genetics (formerly Invitae), Labcorp
Classification: Uncertain significance for Benign neonatal seizures. Last evaluated: 2017-09-30. Review status: criteria provided, single submitter. Criteria: Invitae Variant Classification Sherloc (09022015). Collection method: clinical testing. Allele origin: germline.
Comment: In summary, the available evidence is currently insufficient to determine the role of this variant in disease. Therefore, it has been classified as a Variant of Uncertain Significance. Algorithms developed to predict the effect of missense changes on protein structure and function do not agree on the potential impact of this missense change (SIFT: "Deleterious"; PolyPhen-2: "Probably Damaging"; Align-GVGD: "Class C0"). This variant has not been reported in the literature in individuals with KCNQ3-related disease. This variant is not present in population databases (ExAC no frequency). This sequence change replaces isoleucine with threonine at codon 203 of the KCNQ3 protein (p.Ile203Thr). The isoleucine residue is highly conserved and there is a moderate physicochemical difference between isoleucine and threonine.